The following is an entry in ClinVar:

NM_000264.5(PTCH1):c.896C>A (p.Pro299Gln)

Gene: PTCH1 (patched 1; minus strand). Cytogenetic location: 9q22.32.
Variant type: single nucleotide variant.
Coding change: c.896C>A on transcript NM_000264.5 (MANE Select); coding-DNA position 896, C replaced by A.
Protein change: p.Pro299Gln; replaces proline 299 with glutamine.
Molecular consequence: missense variant. On other transcripts: non-coding transcript variant (1).
Genome position (GRCh38, 1-based): chr9:95,480,439, G>T on the plus strand (C>A on the coding strand, the complement: PTCH1 is on the minus strand). VCF-style: chr9-95480439-G-T. GRCh37 (hg19) VCF-style: chr9-98242721-G-T.
Other names: c.896C>A (NM_000264.3); c.698C>A, p.Pro233Gln (NM_001083602.3); c.893C>A, p.Pro298Gln (NM_001083603.3); c.443C>A, p.Pro148Gln (NM_001083604.3, NM_001083605.3, NM_001083606.3 and 1 more transcripts); c.896C>A, p.Pro299Gln (NM_001354918.2); short protein forms P298Q, P148Q, P299Q, P233Q.
Identifiers: ClinVar variation 1511870 (VCV001511870.10), dbSNP rs141939274, ClinGen allele CA374113813.

ClinVar aggregate classification (germline): Uncertain significance. Review status: criteria provided, multiple submitters, no conflicts (2 of 4 stars). 2 submissions from 2 submitters: Uncertain significance (2). Last evaluated 2025-06-16.

Conditions:
Hereditary cancer-predisposing syndrome. Also called: Neoplastic Syndromes, Hereditary; Hereditary Cancer Syndrome; Tumor predisposition; Hereditary neoplastic syndrome. Identifiers: Orphanet 140162, MedGen C0027672, MeSH D009386, MONDO:0015356.
Gorlin syndrome. Also called: Basal cell nevus syndrome; Nevoid Basal Cell Carcinoma Syndrome. Identifiers: Orphanet 377, MedGen C0004779, MONDO:0007187.

Submissions (2):

Ambry Genetics
Classification: Uncertain significance for Hereditary cancer-predisposing syndrome. Last evaluated: 2025-06-16. Review status: criteria provided, single submitter. Criteria: Ambry Variant Classification Scheme 2023. Collection method: clinical testing. Allele origin: germline.
Comment: The p.P299Q variant (also known as c.896C>A), located in coding exon 6 of the PTCH1 gene, results from a C to A substitution at nucleotide position 896. The proline at codon 299 is replaced by glutamine, an amino acid with similar properties. This amino acid position is highly conserved in available vertebrate species. In addition, this alteration is predicted to be deleterious by in silico analysis. Based on the available evidence, the clinical significance of this variant remains unclear.

Labcorp Genetics (formerly Invitae), Labcorp
Classification: Uncertain significance for Gorlin syndrome. Last evaluated: 2021-03-25. Review status: criteria provided, single submitter. Criteria: Invitae Variant Classification Sherloc (09022015). Collection method: clinical testing. Allele origin: germline.
Comment: In summary, the available evidence is currently insufficient to determine the role of this variant in disease. Therefore, it has been classified as a Variant of Uncertain Significance. Algorithms developed to predict the effect of sequence changes on RNA splicing suggest that this variant may create or strengthen a splice site, but this prediction has not been confirmed by published transcriptional studies. Algorithms developed to predict the effect of missense changes on protein structure and function (SIFT, PolyPhen-2, Align-GVGD) all suggest that this variant is likely to be disruptive, but these predictions have not been confirmed by published functional studies and their clinical significance is uncertain. This variant has not been reported in the literature in individuals with PTCH1-related conditions. This variant is not present in population databases (ExAC no frequency). This sequence change replaces proline with glutamine at codon 299 of the PTCH1 protein (p.Pro299Gln). The proline residue is highly conserved and there is a moderate physicochemical difference between proline and glutamine.